The following is an entry in ClinVar:

ClinVar aggregate classification (germline): Conflicting classifications of pathogenicity. Review status: criteria provided, conflicting classifications (1 of 4 stars). 8 submissions from 8 submitters: Uncertain significance (2); Likely benign (5). 1 of the submissions does not count toward it. Last evaluated 2026-02-02.

Conditions:
Inborn genetic diseases. Identifiers: MedGen C0950123, MeSH D030342.
ELAC2-related disorder. Also called: ELAC2-related condition.
Combined oxidative phosphorylation defect type 17. Also called: Combined oxidative phosphorylation deficiency 17. Identifiers: Orphanet 369913, MedGen C3809526, MONDO:0014190, OMIM 615440.
Prostate cancer, hereditary, 2 (HPC2). Identifiers: Orphanet 1331, MedGen C3539120, MONDO:0013872, OMIM 614731.

Allele frequency attached by ClinVar (database versions not stated): 1000 Genomes Project 30x 0.00047; TOPMed 0.00057; 1000 Genomes Project 0.00060.
gnomAD v4.1: 553 of 1,607,972 alleles (0.034%); highest among the groups gnomAD compares: East Asian, 0.16%; 5 homozygotes.

Submissions (8):

Labcorp Genetics (formerly Invitae), Labcorp
Classification: Likely benign for Combined oxidative phosphorylation defect type 17. Last evaluated: 2026-02-02. Review status: criteria provided, single submitter. Criteria: Invitae Variant Classification Sherloc (09022015). Collection method: clinical testing. Allele origin: germline.

Mayo Clinic Laboratories, Mayo Clinic
Classification: Likely benign. Last evaluated: 2025-10-21. Review status: criteria provided, single submitter. Criteria: ACMG Guidelines, 2015. Collection method: clinical testing. Allele origin: germline. Observed: 2 variant alleles.
Comment: BS1, BP4_moderate

Ambry Genetics
Classification: Likely benign for Inborn genetic diseases. Last evaluated: 2024-12-13. Review status: criteria provided, single submitter. Criteria: Ambry Variant Classification Scheme 2023. Collection method: clinical testing. Allele origin: germline.

Blueprint Genetics
Classification: Likely benign. Last evaluated: 2024-11-25. Review status: criteria provided, single submitter. Criteria: ACMG Guidelines, 2015. Collection method: clinical testing. Allele origin: germline.

GeneDx
Classification: Likely benign. Last evaluated: 2021-02-10. Review status: criteria provided, single submitter. Criteria: GeneDx Variant Classification Process June 2021. Collection method: clinical testing. Allele origin: germline. Affected: yes.

Stanford Center for Inherited Cardiovascular Disease, Stanford University
Classification: Uncertain significance. Last evaluated: 2017-05-24. Review status: criteria provided, single submitter. Criteria: ACMG Guidelines, 2015. Collection method: provider interpretation. Allele origin: germline.

Center for Genomics, Ann and Robert H. Lurie Children's Hospital of Chicago
Classification: Uncertain significance for Prostate cancer, hereditary, 2; Combined oxidative phosphorylation defect type 17. Review status: criteria provided, single submitter. Criteria: ACMG Guidelines, 2015. Collection method: clinical testing. Allele origin: germline.
Comment: ELAC2 NM_018127.6 exon 1 p.Ser52Cys (c.155C>G): This variant has not been reported in the literature but is present in 0.2% (51/18600) of East Asian alleles in the Genome Aggregation Database. This variant is present in ClinVar (Variation ID:241271). Evolutionary conservation and computational predictive tools suggest that this variant may not impact the protein. In summary, data on this variant is insufficient for disease classification. Therefore, the clinical significance of this variant is uncertain

PreventionGenetics, part of Exact Sciences
Classification: Likely benign for ELAC2-related condition. Last evaluated: 2022-04-15. Review status: no assertion criteria provided. Collection method: clinical testing. Allele origin: germline. Not counted in ClinVar's aggregate classification.
Comment: This variant is classified as likely benign based on ACMG/AMP sequence variant interpretation guidelines (Richards et al. 2015 PMID: 25741868, with internal and published modifications).

NM_018127.7(ELAC2):c.155C>G (p.Ser52Cys)

Gene: ELAC2 (elaC ribonuclease Z 2; minus strand). Cytogenetic location: 17p12.
Variant type: single nucleotide variant.
Coding change: c.155C>G on transcript NM_018127.7 (MANE Select); coding-DNA position 155, C replaced by G.
Protein change: p.Ser52Cys; replaces serine 52 with cysteine.
Molecular consequence: missense variant.
Genome position (GRCh38, 1-based): chr17:13,017,793, G>C on the plus strand (C>G on the coding strand, the complement: ELAC2 is on the minus strand). VCF-style: chr17-13017793-G-C. GRCh37 (hg19) VCF-style: chr17-12921110-G-C.
Other names: p.Ser52Cys; c.155C>G, p.Ser52Cys (NM_001165962.2, NM_173717.2); short protein forms S52C.
Identifiers: ClinVar variation 241271 (VCV000241271.21), dbSNP rs9895963, ClinGen allele CA8401825.